The following is an entry in ClinVar:

NM_000376.3(VDR):c.52C>T (p.Arg18Trp)

Gene: VDR (vitamin D receptor; minus strand). Cytogenetic location: 12q13.11.
Variant type: single nucleotide variant.
Coding change: c.52C>T on transcript NM_000376.3 (MANE Select); coding-DNA position 52, C replaced by T.
Protein change: p.Arg18Trp; replaces arginine 18 with tryptophan.
Molecular consequence: missense variant.
Genome position (GRCh38, 1-based): chr12:47,879,062, G>A on the plus strand (C>T on the coding strand, the complement: VDR is on the minus strand). VCF-style: chr12-47879062-G-A. GRCh37 (hg19) VCF-style: chr12-48272845-G-A.
Other names: c.52C>T, p.Arg18Trp (NM_001017535.2, NM_001364085.2, NM_001374661.1 and 1 more transcripts); c.202C>T, p.Arg68Trp (NM_001017536.2); short protein forms R68W, R18W.
Identifiers: ClinVar variation 882356 (VCV000882356.16), dbSNP rs147496897, ClinGen allele CA6534099.

ClinVar aggregate classification (germline): Conflicting classifications of pathogenicity. Review status: criteria provided, conflicting classifications (1 of 4 stars). 5 submissions from 5 submitters: Uncertain significance (4); Likely benign (1). Last evaluated 2025-12-24.

Conditions:
VDR-related disorder. Also called: VDR-related condition.
Vitamin D-dependent rickets type II with alopecia (VDDR2A). Also called: HYPOCALCEMIC VITAMIN D-RESISTANT RICKETS; VITAMIN D-DEPENDENT RICKETS, TYPE 2A, WITH OR WITHOUT ALOPECIA; VITAMIN D-RESISTANT RICKETS WITH END-ORGAN UNRESPONSIVENESS TO 1,25-DIHYDROXYCHOLECALCIFEROL; Vitamin D-dependent rickets, type 2A; GENERALIZED RESISTANCE TO 1,25-DIHYDROXYVITAMIN D; PDDR IIA. Identifiers: Orphanet 93160, MedGen C0342646, MONDO:0010186, OMIM 277440.

Allele frequency attached by ClinVar (database versions not stated): TOPMed 0.00030; 1000 Genomes Project 30x 0.00031; gnomAD 0.00036 and 0.00038; 1000 Genomes Project 0.00040.
gnomAD v4.1: 384 of 1,614,150 alleles (0.024%); highest among the groups gnomAD compares: African/African-American, 0.041%; no homozygotes.

Submissions (5):

Labcorp Genetics (formerly Invitae), Labcorp
Classification: Likely benign. Last evaluated: 2025-12-24. Review status: criteria provided, single submitter. Criteria: Invitae Variant Classification Sherloc (09022015). Collection method: clinical testing. Allele origin: germline.

Rare Kidney Stone Consortium and the Mayo Clinic Hyperoxaluria Center, Mayo Clinic
Classification: Uncertain significance for Vitamin D-dependent rickets type II with alopecia. Last evaluated: 2025-10-03. Review status: criteria provided, single submitter. Criteria: ACMG Guidelines, 2015. Collection method: research. Allele origin: germline. Observed: 2 variant alleles.
Comment: ACMG:PM1, PM2, PP2, PP3, BP4, BP6, BS1

PreventionGenetics, part of Exact Sciences
Classification: Uncertain significance for VDR-related condition. Last evaluated: 2025-01-02. Review status: criteria provided, single submitter. Criteria: ACMG Guidelines, 2015. Collection method: clinical testing. Allele origin: germline.
Comment: The VDR c.52C>T variant is predicted to result in the amino acid substitution p.Arg18Trp. This variant was reported in an individual with an increased risk of inflammatory bowel disease (search rs147496897 in Table S11, Wu et al 2023. PubMed ID: 37080976). This variant is reported in 0.30% of alleles in individuals of Ashkenazi Jewish descent in gnomAD. Although we suspect that this variant may be benign, at this time, the clinical significance of this variant is uncertain due to the absence of conclusive functional and genetic evidence.

Women's Health and Genetics/Laboratory Corporation of America, LabCorp
Classification: Uncertain significance. Last evaluated: 2024-07-03. Review status: criteria provided, single submitter. Criteria: LabCorp Variant Classification Summary - May 2015. Collection method: clinical testing. Allele origin: germline.
Comment: Variant summary: VDR c.52C>T (p.Arg18Trp) results in a non-conservative amino acid change located in the VDR, DNA-binding domain (IPR042153) of the encoded protein sequence. Five of five in-silico tools predict a damaging effect of the variant on protein function. The variant allele was found at a frequency of 0.00032 in 251420 control chromosomes. This frequency is not significantly higher than estimated for a pathogenic variant in VDR causing Vitamin D-Dependent Rickets Type II With Alopecia, allowing no conclusion about variant significance. c.52C>T has been reported in a case-control study for risk of Inflammatory bowel disease (Wu_2023). These report(s) do not provide unequivocal conclusions about association of the variant with Vitamin D-Dependent Rickets Type II With Alopecia. To our knowledge, no experimental evidence demonstrating an impact on protein function has been reported. The following publication has been ascertained in the context of this evaluation (PMID: 37080976). ClinVar contains an entry for this variant (Variation ID: 882356). Based on the evidence outlined above, the variant was classified as uncertain significance.

Illumina Laboratory Services, Illumina
Classification: Uncertain significance for Vitamin D-dependent rickets type II with alopecia. Last evaluated: 2017-04-27. Review status: criteria provided, single submitter. Criteria: ICSL Variant Classification Criteria 13 December 2019. Collection method: clinical testing. Allele origin: germline.
Comment: This variant was observed as part of a predisposition screen in an ostensibly healthy population. A literature search was performed for the gene, cDNA change, and amino acid change (where applicable). Publications were found based on this search. However, the evidence from the literature, in combination with allele frequency data from public databases where available, was not sufficient to rule this variant in or out of causing disease. Therefore, this variant is classified as a variant of unknown significance.

Literature cited by the submitters: PubMed 37080976 (cited by Rare Kidney Stone Consortium and the Mayo Clinic Hyperoxaluria Center, Mayo Clinic and Women's Health and Genetics/Laboratory Corporation of America, LabCorp); PubMed 40794449 (cited by Rare Kidney Stone Consortium and the Mayo Clinic Hyperoxaluria Center, Mayo Clinic); PubMed 10707958 (cited by Illumina Laboratory Services, Illumina).